The following is an entry in ClinVar:

ClinVar aggregate classification (germline): Uncertain significance (1 of 4 stars; one submission).

Conditions:
Long QT syndrome (LQTS). Identifiers: MedGen C0023976, MeSH D008133, MONDO:0002442. Disease mechanism: loss of function. Inheritance: Various modes of inheritance.

Allele frequency attached by ClinVar (database versions not stated): gnomAD exomes below 0.00001; TOPMed below 0.00001; ExAC 0.00001.
gnomAD v4.1: 2 of 1,614,098 alleles (0.00012%); highest among the groups gnomAD compares: Non-Finnish European, 0.00017%; no homozygotes.

Submission:

Labcorp Genetics (formerly Invitae), Labcorp
Classification: Uncertain significance for Long QT syndrome. Last evaluated: 2022-08-16. Review status: criteria provided, single submitter. Criteria: Invitae Variant Classification Sherloc (09022015). Collection method: clinical testing. Allele origin: germline.
Comment: This variant has not been reported in the literature in individuals affected with AKAP9-related conditions. ClinVar contains an entry for this variant (Variation ID: 457122). Algorithms developed to predict the effect of missense changes on protein structure and function are either unavailable or do not agree on the potential impact of this missense change (SIFT: "Tolerated"; PolyPhen-2: "Probably Damaging"; Align-GVGD: "Class C0"). In summary, the available evidence is currently insufficient to determine the role of this variant in disease. Therefore, it has been classified as a Variant of Uncertain Significance. This variant is present in population databases (rs201627038, gnomAD 0.0009%). This sequence change replaces alanine, which is neutral and non-polar, with proline, which is neutral and non-polar, at codon 2553 of the AKAP9 protein (p.Ala2553Pro).

NM_005751.5(AKAP9):c.7657G>C (p.Ala2553Pro)

Gene: AKAP9 (A-kinase anchoring protein 9; plus strand). Cytogenetic location: 7q21.2.
Variant type: single nucleotide variant.
Coding change: c.7657G>C on transcript NM_005751.5 (MANE Select); coding-DNA position 7657, G replaced by C.
Protein change: p.Ala2553Pro; replaces alanine 2553 with proline.
Molecular consequence: missense variant.
Genome position (GRCh38, 1-based): chr7:92,079,790, G>C. VCF-style: chr7-92079790-G-C. GRCh37 (hg19) VCF-style: chr7-91709104-G-C.
Other names: c.2302G>C, p.Ala768Pro (NM_001379277.1); c.7633G>C, p.Ala2545Pro (NM_147185.3); short protein forms A2553P, A2545P, A768P.
Identifiers: ClinVar variation 457122 (VCV000457122.8), dbSNP rs201627038, ClinGen allele CA4337323.